The following is an entry in ClinVar:

NM_001292063.2(OTOG):c.7532A>G (p.His2511Arg)

Gene: OTOG (otogelin; plus strand). Cytogenetic location: 11p15.1.
Variant type: single nucleotide variant.
Coding change: c.7532A>G on transcript NM_001292063.2 (MANE Select); coding-DNA position 7532, A replaced by G.
Protein change: p.His2511Arg; replaces histidine 2511 with arginine.
Molecular consequence: missense variant.
Genome position (GRCh38, 1-based): chr11:17,634,895, A>G. VCF-style: chr11-17634895-A-G. GRCh37 (hg19) VCF-style: chr11-17656442-A-G.
Other names: c.7568A>G, p.His2523Arg (NM_001277269.2); short protein forms H2511R, H2523R.
Identifiers: ClinVar variation 1959846 (VCV001959846.5), dbSNP rs1358353527, ClinGen allele CA379812654.

ClinVar aggregate classification (germline): Uncertain significance (1 of 4 stars; one submission).

Allele frequency attached by ClinVar (database versions not stated): TOPMed below 0.00001; gnomAD exomes 0.00002.
gnomAD v4.1: 29 of 1,344,976 alleles (0.0022%); highest among the groups gnomAD compares: Non-Finnish European, 0.0026%; no homozygotes.

Submission:

Labcorp Genetics (formerly Invitae), Labcorp
Classification: Uncertain significance. Last evaluated: 2022-03-01. Review status: criteria provided, single submitter. Criteria: Invitae Variant Classification Sherloc (09022015). Collection method: clinical testing. Allele origin: germline.
Comment: In summary, the available evidence is currently insufficient to determine the role of this variant in disease. Therefore, it has been classified as a Variant of Uncertain Significance. Algorithms developed to predict the effect of missense changes on protein structure and function are either unavailable or do not agree on the potential impact of this missense change (SIFT: "Deleterious"; PolyPhen-2: "Possibly Damaging"; Align-GVGD: "Class C0"). This variant has not been reported in the literature in individuals affected with OTOG-related conditions. This variant is present in population databases (no rsID available, gnomAD 0.003%). This sequence change replaces histidine, which is basic and polar, with arginine, which is basic and polar, at codon 2523 of the OTOG protein (p.His2523Arg).